The following is an entry in ClinVar:

ClinVar aggregate classification (germline): Uncertain significance (1 of 4 stars; one submission).

Conditions:
Marfan syndrome (MFS). Also called: MARFAN SYNDROME, TYPE I; Marfan syndrome type 1; Marfan's syndrome; FBN1-Related Marfan Syndrome; Marfan syndrome, classic. Identifiers: Orphanet 284963, Orphanet 558, MedGen C0024796, MONDO:0007947, OMIM 154700.

Submission:

All of Us Research Program, National Institutes of Health
Classification: Uncertain significance for Marfan syndrome. Last evaluated: 2024-03-24. Review status: criteria provided, single submitter. Criteria: ACMG Guidelines, 2015. Collection method: clinical testing. Allele origin: germline. Inheritance: Autosomal dominant inheritance. Observed: 1 variant allele, 1 heterozygote.
Comment: This missense variant replaces glutamine with histidine at codon 1376 of the FBN1 protein. Computational prediction suggests that this variant may not impact protein structure and function (internally defined REVEL score threshold <= 0.5, PMID: 27666373). To our knowledge, functional studies have not been reported for this variant. This variant has not been reported in individuals affected with FBN1-related disorders in the literature. This variant has not been identified in the general population by the Genome Aggregation Database (gnomAD). The available evidence is insufficient to determine the role of this variant in disease conclusively. Therefore, this variant is classified as a Variant of Uncertain Significance.

This study involves interpretation of variants in research participants for the purpose of population health screening. Participant phenotype was not available at the time of variant classification. Additional details can be found in publication PMID: 35346344, PMCID: PMC8962531

NM_000138.5(FBN1):c.4128G>C (p.Gln1376His)

Gene: FBN1 (fibrillin 1; minus strand). Cytogenetic location: 15q21.1.
Variant type: single nucleotide variant.
Coding change: c.4128G>C on transcript NM_000138.5 (MANE Select); coding-DNA position 4128, G replaced by C.
Protein change: p.Gln1376His; replaces glutamine 1376 with histidine.
Molecular consequence: missense variant.
Genome position (GRCh38, 1-based): chr15:48,474,337, C>G on the plus strand (G>C on the coding strand, the complement: FBN1 is on the minus strand). VCF-style: chr15-48474337-C-G. GRCh37 (hg19) VCF-style: chr15-48766534-C-G.
Other names: c.4128G>C, p.Gln1376His (NM_001406716.1); short protein forms Q1376H.
Identifiers: ClinVar variation 3386803 (VCV003386803.1).